The following is an entry in ClinVar:

NM_000051.4(ATM):c.7311C>T (p.Tyr2437=)

Genes: ATM (ATM serine/threonine kinase; plus strand), C11orf65 (chromosome 11 open reading frame 65; minus strand). Cytogenetic location: 11q22.3.
Variant type: single nucleotide variant.
Coding change: c.7311C>T on transcript NM_000051.4 (MANE Select); coding-DNA position 7311, C replaced by T.
Protein change: p.Tyr2437=; no amino-acid change (tyrosine 2437 retained).
Molecular consequence: synonymous variant. On other transcripts: intron variant (2).
Genome position (GRCh38, 1-based): chr11:108,330,217, C>T. VCF-style: chr11-108330217-C-T. GRCh37 (hg19) VCF-style: chr11-108200944-C-T.
Other names: c.7311C>T, p.Tyr2437= (NM_001351834.2); c.641-21146G>A (NM_001330368.2); c.*38+5003G>A (NM_001351110.2).
Identifiers: ClinVar variation 757858 (VCV000757858.14), dbSNP rs763470424, ClinGen allele CA476676812.

ClinVar aggregate classification (germline): Benign/Likely benign. Review status: criteria provided, multiple submitters, no conflicts (2 of 4 stars). 4 submissions from 4 submitters: Benign (1); Likely benign (3). Last evaluated 2025-08-02.

Conditions:
Familial cancer of breast. Also called: Hereditary breast cancer; BREAST CANCER, FAMILIAL; hereditary breast carcinoma. Identifiers: Orphanet 227535, MedGen C0346153, MONDO:0016419, OMIM 114480. Disease mechanism: loss of function.
Hereditary cancer-predisposing syndrome. Also called: Tumor predisposition; Hereditary neoplastic syndrome; Neoplastic Syndromes, Hereditary; Hereditary Cancer Syndrome. Identifiers: Orphanet 140162, MedGen C0027672, MeSH D009386, MONDO:0015356.
Ataxia-telangiectasia syndrome (AT). Also called: Ataxia-telangiectasia, complementation group D; AT, COMPLEMENTATION GROUP C; ATAXIA-TELANGIECTASIA, COMPLEMENTATION GROUP A; ATAXIA-TELANGIECTASIA, FRESNO VARIANT; Ataxia-telangiectasia; LOUIS-BAR SYNDROME. Identifiers: Orphanet 100, MedGen C0004135, MONDO:0008840, OMIM 208900.

Submissions (4):

Labcorp Genetics (formerly Invitae), Labcorp
Classification: Likely benign for Ataxia-telangiectasia syndrome. Last evaluated: 2025-08-02. Review status: criteria provided, single submitter. Criteria: Invitae Variant Classification Sherloc (09022015). Collection method: clinical testing. Allele origin: germline.

Myriad Genetics, Inc.
Classification: Benign for Familial cancer of breast. Last evaluated: 2024-06-13. Review status: criteria provided, single submitter. Criteria: Myriad Autosomal Dominant, Autosomal Recessive and X-Linked Classification Criteria (2023). Collection method: clinical testing. Allele origin: unknown.
Comment: This variant is considered benign. This variant is a silent/synonymous amino acid change and it is not expected to impact splicing.

Color Diagnostics, LLC DBA Color Health
Classification: Likely benign for Hereditary cancer-predisposing syndrome. Last evaluated: 2021-11-01. Review status: criteria provided, single submitter. Criteria: ACMG Guidelines, 2015. Collection method: clinical testing. Allele origin: germline.

Ambry Genetics
Classification: Likely benign for Hereditary cancer-predisposing syndrome. Last evaluated: 2015-11-11. Review status: criteria provided, single submitter. Criteria: Ambry Variant Classification Scheme 2023. Collection method: clinical testing. Allele origin: germline.